The following is an entry in ClinVar:

ClinVar aggregate classification (germline): Benign. Review status: criteria provided, single submitter (1 of 4 stars). 2 submissions from 2 submitters: Benign (1). 1 of the submissions does not count toward it. Last evaluated 2025-02-19.

Conditions:
PLXNA2-related disorder. Also called: PLXNA2-related condition.

Submissions (2):

Labcorp Genetics (formerly Invitae), Labcorp
Classification: Benign. Last evaluated: 2025-02-19. Review status: criteria provided, single submitter. Criteria: Invitae Variant Classification Sherloc (09022015). Collection method: clinical testing. Allele origin: germline.

PreventionGenetics, part of Exact Sciences
Classification: Likely benign for PLXNA2-related condition. Last evaluated: 2021-06-28. Review status: no assertion criteria provided. Collection method: clinical testing. Allele origin: germline. Not counted in ClinVar's aggregate classification.
Comment: This variant is classified as likely benign based on ACMG/AMP sequence variant interpretation guidelines (Richards et al. 2015 PMID: 25741868, with internal and published modifications).

NM_025179.4(PLXNA2):c.4661-10del

Gene: PLXNA2 (plexin A2; minus strand). Cytogenetic location: 1q32.2.
Variant type: Deletion.
Coding change: c.4661-10del on transcript NM_025179.4 (MANE Select); 10 bases into the intron before coding-DNA position 4661, one base deleted (C; older notation c.4661-10delC).
Molecular consequence: intron variant.
Genome position (GRCh38, 1-based): chr1:208,038,484, G deleted on the plus strand (C on the coding strand, the reverse complement: PLXNA2 is on the minus strand); the first of 5 consecutive G bases (chr1:208,038,484-208,038,488); deleting any one gives the same sequence. VCF-style (leftmost placement, unchanged base first): chr1-208038483-AG-A. GRCh37 (hg19) VCF-style: chr1-208211828-AG-A.
Other names: c.4661-10delC (NM_025179.3).
Identifiers: ClinVar variation 2166309 (VCV002166309.6), dbSNP rs781410416, ClinGen allele CA1372796.